The following is an entry in ClinVar:

ClinVar aggregate classification (germline): Likely pathogenic (1 of 4 stars; one submission).

Conditions:
Cornelia de Lange syndrome 1 (CDLS1). Also called: Brachmann de Lange syndrome; TYPUS DEGENERATIVUS AMSTELODAMENSIS; NIPBL-Related Cornelia de Lange Syndrome. Identifiers: Orphanet 199, MedGen C4551851, MONDO:0007387, OMIM 122470.

Submission:

Labcorp Genetics (formerly Invitae), Labcorp
Classification: Likely pathogenic for Cornelia de Lange syndrome 1. Last evaluated: 2017-08-09. Review status: criteria provided, single submitter. Criteria: Invitae Variant Classification Sherloc (09022015). Collection method: clinical testing. Allele origin: germline.
Comment: In summary, the currently available evidence indicates that the variant is pathogenic, but additional data are needed to prove that conclusively. Therefore, this variant has been classified as Likely Pathogenic. Algorithms developed to predict the effect of missense changes on protein structure and function do not agree on the potential impact of this missense change (SIFT: "Deleterious"; PolyPhen-2: "Possibly Damaging"; Align-GVGD: "Class C0"). This variant is not present in population databases (ExAC no frequency). This sequence change replaces serine with asparagine at codon 2013 of the NIPBL protein (p.Ser2013Asn). The serine residue is moderately conserved and there is a small physicochemical difference between serine and asparagine.

NM_133433.4(NIPBL):c.6038G>A (p.Ser2013Asn)

Gene: NIPBL (NIPBL cohesin loading factor; plus strand). Cytogenetic location: 5p13.2.
Variant type: single nucleotide variant.
Coding change: c.6038G>A on transcript NM_133433.4 (MANE Select); coding-DNA position 6038, G replaced by A.
Protein change: p.Ser2013Asn; replaces serine 2013 with asparagine.
Molecular consequence: missense variant.
Genome position (GRCh38, 1-based): chr5:37,038,668, G>A. VCF-style: chr5-37038668-G-A. GRCh37 (hg19) VCF-style: chr5-37038770-G-A.
Other names: c.6038G>A, p.Ser2013Asn (NM_015384.5); short protein forms S2013N.
Identifiers: ClinVar variation 476593 (VCV000476593.8), dbSNP rs1554030233, ClinGen allele CA359498276.
Genomic context (GRCh38, chr5:37,038,668, plus strand): 5'-ACAATAAAGGTGTGAATTCTGGAAGATTGGTAGCTTGCATAACCACTTTGTTCTTATTCA[G>A]CAAAATAAGACCCCAGCTCATGGTTAAACATGCAATGACTATGCAACCATACCTTACCAC-3'
Protein context (NP_597677.2, residues 2003-2023): VACITTLFLF[Ser2013Asn]KIRPQLMVKH